The following is an entry in ClinVar:

NM_003784.4(SERPINB7):c.375del (p.Val126fs)

Gene: SERPINB7 (serpin family B member 7; plus strand). Cytogenetic location: 18q21.33.
Variant type: Deletion.
Coding change: c.375del on transcript NM_003784.4 (MANE Select); coding-DNA position 375, one base deleted (A; older notation c.375delA).
Protein change: p.Val126fs; shifts the reading frame from valine 126.
Molecular consequence: frameshift variant.
Genome position (GRCh38, 1-based): chr18:63,796,304, A deleted; the last of 3 consecutive A bases (chr18:63,796,302-63,796,304); deleting any one gives the same sequence. VCF-style (leftmost placement, unchanged base first): chr18-63796301-CA-C. GRCh37 (hg19) VCF-style: chr18-61463535-CA-C.
Other names: c.375del, p.Val126fs (NM_001040147.3, NM_001261830.2); c.324del, p.Val109fs (NM_001261831.2); short protein forms V109fs, V126fs.
Identifiers: ClinVar variation 5005904 (VCV005005904.2).

ClinVar aggregate classification (germline): Likely pathogenic (1 of 4 stars; one submission).

Conditions:
Palmoplantar keratoderma, Nagashima type. Identifiers: Orphanet 140966, MedGen C3810072, MONDO:0014272, OMIM 615598.

Submission:

Juno Genomics, Hangzhou Juno Genomics, Inc
Classification: Likely pathogenic for Palmoplantar keratoderma, Nagashima type. Review status: criteria provided, single submitter. Criteria: ACMG Guidelines, 2015. Collection method: clinical testing. Allele origin: germline.
Comment: Null variant in a gene where loss of function (LOF) is a known mechanism of disease.;Absent from controls (or at extremely low frequency if recessive) in Genome Aggregation Database.